The following is an entry in ClinVar:

NM_001466.4(FZD2):c.656G>A (p.Arg219His)

Gene: FZD2 (frizzled class receptor 2; plus strand). Cytogenetic location: 17q21.31.
Variant type: single nucleotide variant.
Coding change: c.656G>A on transcript NM_001466.4 (MANE Select); coding-DNA position 656, G replaced by A.
Protein change: p.Arg219His; replaces arginine 219 with histidine.
Molecular consequence: missense variant.
Genome position (GRCh38, 1-based): chr17:44,558,344, G>A. VCF-style: chr17-44558344-G-A. GRCh37 (hg19) VCF-style: chr17-42635712-G-A.
Other names: short protein forms R219H.
Identifiers: ClinVar variation 4704704 (VCV004704704.1).

ClinVar aggregate classification (germline): Uncertain significance (1 of 4 stars; one submission).

gnomAD v4.1: 15 of 1,506,616 alleles (0.001%); highest among the groups gnomAD compares: South Asian, 0.015%; no homozygotes.

Submission:

Labcorp Genetics (formerly Invitae), Labcorp
Classification: Uncertain significance. Last evaluated: 2025-03-01. Review status: criteria provided, single submitter. Criteria: Invitae Variant Classification Sherloc (09022015). Collection method: clinical testing. Allele origin: germline.
Comment: This sequence change replaces arginine, which is basic and polar, with histidine, which is basic and polar, at codon 219 of the FZD2 protein (p.Arg219His). This variant is present in population databases (rs762507541, gnomAD 0.02%). This variant has not been reported in the literature in individuals affected with FZD2-related conditions. Invitae Evidence Modeling of protein sequence and biophysical properties (such as structural, functional, and spatial information, amino acid conservation, physicochemical variation, residue mobility, and thermodynamic stability) indicates that this missense variant is not expected to disrupt FZD2 protein function with a negative predictive value of 80%. In summary, the available evidence is currently insufficient to determine the role of this variant in disease. Therefore, it has been classified as a Variant of Uncertain Significance.